The following is an entry in ClinVar:

ClinVar aggregate classification (germline): Conflicting classifications of pathogenicity. Review status: criteria provided, conflicting classifications (1 of 4 stars). 2 submissions from 2 submitters: Pathogenic (1); Uncertain significance (1). Last evaluated 2025-11-28.

Conditions:
Familial hemophagocytic lymphohistiocytosis 2 (FHL2). Also called: PRF1-Related Familial Hemophagocytic Lymphohistiocytosis (PRF1-fHLH). Identifiers: Orphanet 540, MedGen C1863727, MONDO:0011337, OMIM 603553.

Allele frequency attached by ClinVar (database versions not stated): TOPMed 0.00001; gnomAD exomes below 0.00001.

Submissions (2):

GeneDx
Classification: Pathogenic. Last evaluated: 2025-11-28. Review status: criteria provided, single submitter. Criteria: GeneDx Variant Classification Process June 2021. Collection method: clinical testing. Allele origin: germline.
Comment: Reported with a second PRF1 variant, phase unknown, in a patient with haemophagocytic lymphohistiocytosis in published literature (PMID: 14757862); Published functional studies demonstrate a damaging effect including loss of lytic activity, reduced protein expression, and impaired protein stability, structure, and function (PMID: 15755897, 16374518); In silico analysis supports that this missense variant has a deleterious effect on protein structure/function; Not observed at significant frequency in large population cohorts (gnomAD); This variant is associated with the following publications: (PMID: 23592409, 16374518, 15755897, 14757862)

Labcorp Genetics (formerly Invitae), Labcorp
Classification: Uncertain significance for Familial hemophagocytic lymphohistiocytosis 2. Last evaluated: 2022-08-15. Review status: criteria provided, single submitter. Criteria: Invitae Variant Classification Sherloc (09022015). Collection method: clinical testing. Allele origin: germline.
Comment: This sequence change replaces cysteine, which is neutral and slightly polar, with arginine, which is basic and polar, at codon 73 of the PRF1 protein (p.Cys73Arg). This variant is not present in population databases (gnomAD no frequency). This missense change has been observed in individual(s) with hemophagocytic lymphohistiocytosis (PMID: 14757862). ClinVar contains an entry for this variant (Variation ID: 1025645). Algorithms developed to predict the effect of missense changes on protein structure and function (SIFT, PolyPhen-2, Align-GVGD) all suggest that this variant is likely to be disruptive. Experimental studies have shown that this missense change affects PRF1 function (PMID: 15755897, 16374518). This variant disrupts the p.Cys73 amino acid residue in PRF1. Other variant(s) that disrupt this residue have been observed in individuals with PRF1-related conditions (PMID: 30539918), which suggests that this may be a clinically significant amino acid residue. In summary, the available evidence is currently insufficient to determine the role of this variant in disease. Therefore, it has been classified as a Variant of Uncertain Significance.

Literature cited by the submitters: PubMed 14757862 (cited by Labcorp Genetics (formerly Invitae), Labcorp); PubMed 15755897 (cited by Labcorp Genetics (formerly Invitae), Labcorp); PubMed 16374518 (cited by Labcorp Genetics (formerly Invitae), Labcorp); PubMed 30539918 (cited by Labcorp Genetics (formerly Invitae), Labcorp).

NM_001083116.3(PRF1):c.217T>C (p.Cys73Arg)

Gene: PRF1 (perforin 1; minus strand). Cytogenetic location: 10q22.1.
Variant type: single nucleotide variant.
Coding change: c.217T>C on transcript NM_001083116.3 (MANE Select); coding-DNA position 217, T replaced by C.
Protein change: p.Cys73Arg; replaces cysteine 73 with arginine.
Molecular consequence: missense variant.
Genome position (GRCh38, 1-based): chr10:70,600,686, A>G on the plus strand (T>C on the coding strand, the complement: PRF1 is on the minus strand). VCF-style: chr10-70600686-A-G. GRCh37 (hg19) VCF-style: chr10-72360442-A-G.
Other names: c.217T>C (NM_001083116.1); c.217T>C, p.Cys73Arg (NM_005041.6); short protein forms C73R.
Identifiers: ClinVar variation 1025645 (VCV001025645.7), dbSNP rs1848214400, ClinGen allele CA376959860.